The following is an entry in ClinVar:

NM_017654.4(SAMD9):c.1316T>A (p.Val439Glu)

Gene: SAMD9 (sterile alpha motif domain containing 9; minus strand). Cytogenetic location: 7q21.2.
Variant type: single nucleotide variant.
Coding change: c.1316T>A on transcript NM_017654.4 (MANE Select); coding-DNA position 1316, T replaced by A.
Protein change: p.Val439Glu; replaces valine 439 with glutamic acid.
Molecular consequence: missense variant.
Genome position (GRCh38, 1-based): chr7:93,104,782, A>T on the plus strand (T>A on the coding strand, the complement: SAMD9 is on the minus strand). VCF-style: chr7-93104782-A-T. GRCh37 (hg19) VCF-style: chr7-92734095-A-T.
Other names: c.1316T>A, p.Val439Glu (NM_001193307.2); c.1316T>A (NM_017654.3); short protein forms V439E.
Identifiers: ClinVar variation 1931591 (VCV001931591.5), dbSNP rs771477477, ClinGen allele CA4342991.

ClinVar aggregate classification (germline): Uncertain significance. Review status: criteria provided, multiple submitters, no conflicts (2 of 4 stars). 2 submissions from 2 submitters: Uncertain significance (2). Last evaluated 2025-12-10.

Conditions:
Inborn genetic diseases. Identifiers: MedGen C0950123, MeSH D030342.

Allele frequency attached by ClinVar (database versions not stated): ExAC 0.00001; gnomAD exomes 0.00001.

Submissions (2):

Ambry Genetics
Classification: Uncertain significance for Inborn genetic diseases. Last evaluated: 2025-12-10. Review status: criteria provided, single submitter. Criteria: Ambry Variant Classification Scheme 2023. Collection method: clinical testing. Allele origin: germline.
Comment: The p.V439E variant (also known as c.1316T>A), located in coding exon 1 of the SAMD9 gene, results from a T to A substitution at nucleotide position 1316. The valine at codon 439 is replaced by glutamic acid, an amino acid with dissimilar properties. This amino acid position is conserved. In addition, the in silico prediction for this alteration is inconclusive. Based on the available evidence, the clinical significance of this variant remains unclear.

Labcorp Genetics (formerly Invitae), Labcorp
Classification: Uncertain significance. Last evaluated: 2025-01-27. Review status: criteria provided, single submitter. Criteria: Invitae Variant Classification Sherloc (09022015). Collection method: clinical testing. Allele origin: germline.
Comment: This sequence change replaces valine, which is neutral and non-polar, with glutamic acid, which is acidic and polar, at codon 439 of the SAMD9 protein (p.Val439Glu). This variant is present in population databases (rs771477477, gnomAD 0.007%). This variant has not been reported in the literature in individuals affected with SAMD9-related conditions. ClinVar contains an entry for this variant (Variation ID: 1931591). Invitae Evidence Modeling of protein sequence and biophysical properties (such as structural, functional, and spatial information, amino acid conservation, physicochemical variation, residue mobility, and thermodynamic stability) has been performed for this missense variant. However, the output from this modeling did not meet the statistical confidence thresholds required to predict the impact of this variant on SAMD9 protein function. In summary, the available evidence is currently insufficient to determine the role of this variant in disease. Therefore, it has been classified as a Variant of Uncertain Significance.